The following is an entry in ClinVar:

NM_001197104.2(KMT2A):c.711T>G (p.His237Gln)

Gene: KMT2A (lysine methyltransferase 2A; plus strand). Cytogenetic location: 11q23.3.
Variant type: single nucleotide variant.
Coding change: c.711T>G on transcript NM_001197104.2 (MANE Select); coding-DNA position 711, T replaced by G.
Protein change: p.His237Gln; replaces histidine 237 with glutamine.
Molecular consequence: missense variant.
Genome position (GRCh38, 1-based): chr11:118,471,870, T>G. VCF-style: chr11-118471870-T-G. GRCh37 (hg19) VCF-style: chr11-118342585-T-G.
Other names: c.810T>G, p.His270Gln (NM_001412597.1); c.711T>G, p.His237Gln (NM_005933.4); short protein forms H237Q, H270Q.
Identifiers: ClinVar variation 2104338 (VCV002104338.4), dbSNP rs1949948082, ClinGen allele CA382807543.
Genomic context (GRCh38, chr11:118,471,870, plus strand): 5'-TATAGAAAAGAAGAGAGGAAGACCTCCCACCTTCCCTGGAGTAAAAATCAAAATAACACA[T>G]GGAAAGGACATTTCAGAGTTACCAAAGGGAAACAAAGAAGATAGCCTGAAAAAAATTAAA-3'
Protein context (NP_001184033.1, residues 227-247): TFPGVKIKIT[His237Gln]GKDISELPKG

ClinVar aggregate classification (germline): Uncertain significance (1 of 4 stars; one submission).

Submission:

Labcorp Genetics (formerly Invitae), Labcorp
Classification: Uncertain significance. Last evaluated: 2024-07-29. Review status: criteria provided, single submitter. Criteria: Invitae Variant Classification Sherloc (09022015). Collection method: clinical testing. Allele origin: germline.
Comment: This sequence change replaces histidine, which is basic and polar, with glutamine, which is neutral and polar, at codon 237 of the KMT2A protein (p.His237Gln). This variant is not present in population databases (gnomAD no frequency). This variant has not been reported in the literature in individuals affected with KMT2A-related conditions. ClinVar contains an entry for this variant (Variation ID: 2104338). Advanced modeling of protein sequence and biophysical properties (such as structural, functional, and spatial information, amino acid conservation, physicochemical variation, residue mobility, and thermodynamic stability) performed at Invitae indicates that this missense variant is not expected to disrupt KMT2A protein function with a negative predictive value of 95%. In summary, the available evidence is currently insufficient to determine the role of this variant in disease. Therefore, it has been classified as a Variant of Uncertain Significance.